The following is an entry in ClinVar:

NM_139076.3(ABRAXAS1):c.958G>A (p.Val320Ile)

Gene: ABRAXAS1 (abraxas 1, BRCA1 A complex subunit; minus strand). Cytogenetic location: 4q21.23.
Variant type: single nucleotide variant.
Coding change: c.958G>A on transcript NM_139076.3 (MANE Select); coding-DNA position 958, G replaced by A.
Protein change: p.Val320Ile; replaces valine 320 with isoleucine.
Molecular consequence: missense variant.
Genome position (GRCh38, 1-based): chr4:83,462,741, C>T on the plus strand (G>A on the coding strand, the complement: ABRAXAS1 is on the minus strand). VCF-style: chr4-83462741-C-T. GRCh37 (hg19) VCF-style: chr4-84383894-C-T.
Other names: c.631G>A, p.Val211Ile (NM_001345962.2); short protein forms V211I, V320I.
Identifiers: ClinVar variation 2497231 (VCV002497231.2), dbSNP rs2110033143, ClinGen allele CA357255763.

ClinVar aggregate classification (germline): Uncertain significance (1 of 4 stars; one submission).

gnomAD v4.1: 1 of 1,613,878 alleles (0.000062%); no homozygotes.

Submission:

Ambry Genetics
Classification: Uncertain significance. Last evaluated: 2022-12-19. Review status: criteria provided, single submitter. Criteria: Ambry Variant Classification Scheme 2023. Collection method: clinical testing. Allele origin: germline.
Comment: The p.V320I variant (also known as c.958G>A), located in coding exon 9 of the FAM175A gene, results from a G to A substitution at nucleotide position 958. The valine at codon 320 is replaced by isoleucine, an amino acid with highly similar properties. This amino acid position is conserved. In addition, this alteration is predicted to be tolerated by in silico analysis. Since supporting evidence is limited at this time, the clinical significance of this alteration remains unclear.